The following is an entry in ClinVar:

ClinVar aggregate classification (germline): Likely benign. Review status: reviewed by expert panel (3 of 4 stars). 2 submissions from 2 submitters: Likely benign (1). 1 of the submissions does not count toward it. Last evaluated 2017-06-29.

Conditions:
Hereditary breast ovarian cancer syndrome. Also called: Hereditary breast and ovarian cancer syndrome (HBOC); BRCA1- and BRCA2-Associated Hereditary Breast and Ovarian Cancer; Hereditary breast and/or ovarian cancer syndrome; Hereditary breast and ovarian cancer syndrome; Hereditary breast and ovarian cancer; Breast and ovarian cancer. Identifiers: Orphanet 145, MedGen C0677776, MeSH D061325, MONDO:0003582. Disease mechanism: loss of function.
Breast-ovarian cancer, familial, susceptibility to, 1 (BROVCA1). Also called: BRCA1 Hereditary Breast and Ovarian Cancer; OVARIAN CANCER, SUSCEPTIBILITY TO. Identifiers: Orphanet 145, MedGen C2676676, MONDO:0011450, OMIM 604370. Disease mechanism: loss of function.

Submissions (2):

Evidence-based Network for the Interpretation of Germline Mutant Alleles (ENIGMA)
Classification: Likely benign for Breast-ovarian cancer, familial, susceptibility to, 1. Last evaluated: 2017-06-29. Review status: reviewed by expert panel. Criteria: ENIGMA BRCA1/2 Classification Criteria (2017-06-29). Collection method: curation. Allele origin: germline.
Comment: Synonymous substitution variant, with low bioinformatic likelihood to result in a splicing aberration (Splicing prior probability 0.02).

Labcorp Genetics (formerly Invitae), Labcorp
Classification: Likely benign for Hereditary breast ovarian cancer syndrome. Last evaluated: 2026-01-21. Review status: criteria provided, single submitter. Criteria: Invitae Variant Classification Sherloc (09022015). Collection method: clinical testing. Allele origin: germline. Not counted in ClinVar's aggregate classification.

NM_007294.4(BRCA1):c.4584C>T (p.Leu1528=)

Gene: BRCA1 (BRCA1 DNA repair associated; minus strand). Cytogenetic location: 17q21.31.
Variant type: single nucleotide variant.
Coding change: c.4584C>T on transcript NM_007294.4 (MANE Select); coding-DNA position 4584, C replaced by T.
Protein change: p.Leu1528=; no amino-acid change (leucine 1528 retained).
Molecular consequence: synonymous variant. On other transcripts: intron variant (3).
Genome position (GRCh38, 1-based): chr17:43,074,422, G>A on the plus strand (C>T on the coding strand, the complement: BRCA1 is on the minus strand). VCF-style: chr17-43074422-G-A. GRCh37 (hg19) VCF-style: chr17-41226439-G-A.
Other names: c.1272C>T, p.Leu424= (NM_001407979.1, NM_001407980.1, NM_001407981.1 and 13 more transcripts); c.1269C>T, p.Leu423= (NM_001408392.1, NM_001408396.1, NM_001408397.1 and 8 more transcripts); c.1266C>T, p.Leu422= (NM_001408406.1, NM_001408407.1, NM_001408408.1); c.1263C>T, p.Leu421= (NM_001408409.1); c.1200C>T, p.Leu400= (NM_001408410.1); c.1197C>T, p.Leu399= (NM_001408411.1); c.1194C>T, p.Leu398= (NM_001408412.1, NM_001408413.1, NM_001408414.1 and 2 more transcripts); c.1158C>T, p.Leu386= (NM_001408418.1, NM_001408419.1, NM_001408420.1); and 71 more.
Identifiers: ClinVar variation 427268 (VCV000427268.5), dbSNP rs1131692080, ClinGen allele CA500146611.
Genomic context (GRCh38, chr17:43,074,422, plus strand): 5'-CGTCAAATCGTGTGGCCCAGACTCTTCCAGCTGTTGCTCCTCCACATCAACAACCTTAAT[G>A]AGCTCCTCTTGAGATGGGTAGTTTCTATTCTGAAGACTCCCAGAGCAACTGTGCATGTAC-3'
Protein context (NP_009225.1, residues 1518-1538): QNRNYPSQEE[Leu1528=]IKVVDVEEQQ